The following is an entry in ClinVar:

ClinVar aggregate classification (germline): Uncertain significance (1 of 4 stars; one submission).

Conditions:
Melanoma, cutaneous malignant, susceptibility to, 5. Also called: Cutaneous malignant melanoma 5. Identifiers: Orphanet 618, MedGen C2751295, MONDO:0013133, OMIM 613099.

gnomAD v4.1: 1 of 1,613,144 alleles (0.000062%); highest among the groups gnomAD compares: Non-Finnish European, 0.000085%; no homozygotes.

Submission:

Labcorp Genetics (formerly Invitae), Labcorp
Classification: Uncertain significance for Melanoma, cutaneous malignant, susceptibility to, 5. Last evaluated: 2022-07-01. Review status: criteria provided, single submitter. Criteria: Invitae Variant Classification Sherloc (09022015). Collection method: clinical testing. Allele origin: germline.
Comment: This sequence change replaces isoleucine, which is neutral and non-polar, with methionine, which is neutral and non-polar, at codon 63 of the MC1R protein (p.Ile63Met). In summary, the available evidence is currently insufficient to determine the role of this variant in disease. Therefore, it has been classified as a Variant of Uncertain Significance. Algorithms developed to predict the effect of missense changes on protein structure and function are either unavailable or do not agree on the potential impact of this missense change (SIFT: "Deleterious"; PolyPhen-2: "Probably Damaging"; Align-GVGD: "Class C0"). This variant has not been reported in the literature in individuals affected with MC1R-related conditions. This variant is present in population databases (no rsID available, gnomAD 0.007%).

NM_002386.4(MC1R):c.189C>G (p.Ile63Met)

Gene: MC1R (melanocortin 1 receptor; plus strand). Cytogenetic location: 16q24.3.
Variant type: single nucleotide variant.
Coding change: c.189C>G on transcript NM_002386.4 (MANE Select); coding-DNA position 189, C replaced by G.
Protein change: p.Ile63Met; replaces isoleucine 63 with methionine.
Molecular consequence: missense variant.
Genome position (GRCh38, 1-based): chr16:89,919,447, C>G. VCF-style: chr16-89919447-C-G. GRCh37 (hg19) VCF-style: chr16-89985855-C-G.
Other names: short protein forms I63M.
Identifiers: ClinVar variation 2012933 (VCV002012933.4), dbSNP rs373344683, ClinGen allele CA397459792.